The following is an entry in ClinVar:

ClinVar aggregate classification (germline): Uncertain significance. Review status: criteria provided, single submitter (1 of 4 stars). 2 submissions from 2 submitters: Uncertain significance (1). 1 of the submissions does not count toward it. Last evaluated 2017-04-27.

Conditions:
Posterior polymorphous corneal dystrophy. Also called: Polymorphous corneal dystrophy; CORNEAL DYSTROPHY, HEREDITARY POLYMORPHOUS POSTERIOR. Identifiers: Orphanet 98973, MedGen C0339284, MONDO:0020364, HP:0007915.
Keratoconus 1 (KTCN1). Identifiers: MedGen C1835677, MONDO:0007851, OMIM 148300.

Allele frequency attached by ClinVar (database versions not stated): gnomAD 0.00003; TOPMed 0.00008.

Submissions (2):

Illumina Laboratory Services, Illumina
Classification: Uncertain significance for Polymorphous corneal dystrophy. Last evaluated: 2017-04-27. Review status: criteria provided, single submitter. Criteria: ICSL Variant Classification Criteria 13 December 2019. Collection method: clinical testing. Allele origin: germline.
Comment: This variant was observed as part of a predisposition screen in an ostensibly healthy population. A literature search was performed for the gene, cDNA change, and amino acid change (where applicable). Publications were found based on this search. However, the evidence from the literature, in combination with allele frequency data from public databases where available, was not sufficient to rule this variant in or out of causing disease. Therefore, this variant is classified as a variant of unknown significance.

OMIM
Classification: Pathogenic for KERATOCONUS 1. Last evaluated: 2002-05-01. Review status: no assertion criteria provided. Collection method: literature only. Allele origin: germline. Not counted in ClinVar's aggregate classification.

Literature cited by the submitters: PubMed 22171159 (cited by Illumina Laboratory Services, Illumina); PubMed 11978762 (cited by Illumina Laboratory Services, Illumina and OMIM).

NM_014588.6(VSX1):c.496C>T (p.Arg166Trp)

Gene: VSX1 (visual system homeobox 1; minus strand). Cytogenetic location: 20p11.21.
Variant type: single nucleotide variant.
Coding change: c.496C>T on transcript NM_014588.6 (MANE Select); coding-DNA position 496, C replaced by T.
Protein change: p.Arg166Trp; replaces arginine 166 with tryptophan.
Molecular consequence: missense variant. On other transcripts: non-coding transcript variant (3).
Genome position (GRCh38, 1-based): chr20:25,079,443, G>A on the plus strand (C>T on the coding strand, the complement: VSX1 is on the minus strand). VCF-style: chr20-25079443-G-A. GRCh37 (hg19) VCF-style: chr20-25060079-G-A.
Other names: c.496C>T, p.Arg166Trp (NM_001256271.2, NM_001256272.2, NM_199425.3); short protein forms R166W.
Identifiers: ClinVar variation 5247 (VCV000005247.5), dbSNP rs74315432, ClinGen allele CA117354.